The following is an entry in ClinVar:

NM_000542.5(SFTPB):c.62G>A (p.Gly21Asp)

Gene: SFTPB (surfactant protein B; minus strand). Cytogenetic location: 2p11.2.
Variant type: single nucleotide variant.
Coding change: c.62G>A on transcript NM_000542.5 (MANE Select); coding-DNA position 62, G replaced by A.
Protein change: p.Gly21Asp; replaces glycine 21 with aspartic acid.
Molecular consequence: missense variant.
Genome position (GRCh38, 1-based): chr2:85,668,122, C>T on the plus strand (G>A on the coding strand, the complement: SFTPB is on the minus strand). VCF-style: chr2-85668122-C-T. GRCh37 (hg19) VCF-style: chr2-85895245-C-T.
Other names: c.62G>A, p.Gly21Asp (NM_001367281.2, NM_198843.4); short protein forms G21D.
Identifiers: ClinVar variation 3346364 (VCV003346364.1).
Genomic context (GRCh38, chr2:85,668,122, plus strand): 5'-AGTGCTCAGTGAGTGGTGGAGCTGCCTAGGAGAGGGGAGGCTGGGGGAGACTCACCAGTG[C>T]CTGGGCCACAGAGCGTGGGCAGCAGCAGCAGCAGCCACTGCAGCAGGTGTGACTCAGCCA-3'
Protein context (NP_000533.4, residues 11-31): LLLLPTLCGP[Gly21Asp]TAAWTTSSLA

ClinVar aggregate classification (germline): Uncertain significance (0 of 4 stars; one submission).

Conditions:
SFTPB-related disorder. Also called: SFTPB-related condition.

Submission:

PreventionGenetics, part of Exact Sciences
Classification: Uncertain significance for SFTPB-related condition. Last evaluated: 2024-09-10. Review status: no assertion criteria provided. Collection method: clinical testing. Allele origin: germline.
Comment: The SFTPB c.98G>A variant is predicted to result in the amino acid substitution p.Gly33Asp. To our knowledge, this variant has not been reported in the literature or in a large population database, indicating this variant is rare. At this time, the clinical significance of this variant is uncertain due to the absence of conclusive functional and genetic evidence.